The following is an entry in ClinVar:

ClinVar aggregate classification (germline): Uncertain significance (1 of 4 stars; one submission).

Conditions:
Ectodermal dysplasia 10A, hypohidrotic/hair/nail type, autosomal dominant (ECTD10A). Also called: Ectodermal Dysplasia 3, Anhidrotic. Identifiers: Orphanet 1810, Orphanet 238468, MedGen C3888065, MONDO:0007509, OMIM 129490.
Autosomal recessive hypohidrotic ectodermal dysplasia syndrome. Also called: Autosomal recessive hypohidrotic ectodermal dysplasia. Identifiers: Orphanet 248, MedGen C0406702, MONDO:0016619.

Submission:

Labcorp Genetics (formerly Invitae), Labcorp
Classification: Uncertain significance for Ectodermal dysplasia 10A, hypohidrotic/hair/nail type, autosomal dominant; Autosomal recessive hypohidrotic ectodermal dysplasia syndrome. Last evaluated: 2019-03-25. Review status: criteria provided, single submitter. Criteria: Invitae Variant Classification Sherloc (09022015). Collection method: clinical testing. Allele origin: germline.
Comment: In summary, the available evidence is currently insufficient to determine the role of this variant in disease. Therefore, it has been classified as a Variant of Uncertain Significance. Experimental studies and prediction algorithms are not available for this variant, and the functional significance of the affected amino acid(s) is currently unknown. This variant has not been reported in the literature in individuals with EDAR-related conditions. This variant is not present in population databases (ExAC no frequency). This variant, c.1064_1066delAGA, results in the deletion of 1 amino acid(s) of the EDAR protein (p.Lys355del), but otherwise preserves the integrity of the reading frame.

NM_022336.4(EDAR):c.1061AGA[1] (p.Lys355del)

Genes: EDAR (ectodysplasin A receptor; minus strand), RANBP2 (RAN binding protein 2; plus strand). Cytogenetic location: 2q13.
Variant type: Microsatellite.
Coding change: c.1061AGA[1] on transcript NM_022336.4 (MANE Select); one copy of the 3-base unit AGA starting at c.1061; the reference has two copies in a row; one copy, 3 bases deleted; also written c.1064_1066del.
Protein change: p.Lys355del; deletes lysine 355.
Molecular consequence: inframe deletion.
Genome position (GRCh38, 1-based): chr2:108,897,188-108,897,190, TCT deleted on the plus strand (AGA on the coding strand, the reverse complement: EDAR is on the minus strand); deleting any 3 consecutive bases within chr2:108,897,188-108,897,193 gives the same sequence; the position shown is the placement nearest the transcript's 3' end. VCF-style (leftmost placement, unchanged base first): chr2-108897187-GTCT-G. GRCh37 (hg19) VCF-style: chr2-109513643-GTCT-G.
Other names: c.1064_1066del (NM_022336.3); short protein forms K355del.
Identifiers: ClinVar variation 650219 (VCV000650219.10), dbSNP rs1574362124, ClinGen allele CA915944093.
Genomic context (GRCh38, chr2:108,897,187, plus strand): 5'-TGGCGCCACGTTTTCACAACAGCCTTCTCAGAGTTGTACGTGGAGCTGAGCATTCGGCTA[GTCT>G]TCTCGAGGCAATCAAATGGCAGCTCCGTGGGGCTAAGACCTACAGACACCAATGGCCACA-3'